The following is an entry in ClinVar:

NM_000785.4(CYP27B1):c.1378del (p.Leu460fs)

Gene: CYP27B1 (cytochrome P450 family 27 subfamily B member 1; minus strand). Cytogenetic location: 12q14.1.
Variant type: Deletion.
Coding change: c.1378del on transcript NM_000785.4 (MANE Select); coding-DNA position 1378, one base deleted (C; older notation c.1378delC).
Protein change: p.Leu460fs; shifts the reading frame from leucine 460.
Molecular consequence: frameshift variant.
Genome position (GRCh38, 1-based): chr12:57,763,646, G deleted on the plus strand (C on the coding strand, the reverse complement: CYP27B1 is on the minus strand); the first of 2 consecutive G bases (chr12:57,763,646-57,763,647); deleting either gives the same sequence. VCF-style (leftmost placement, unchanged base first): chr12-57763645-AG-A. GRCh37 (hg19) VCF-style: chr12-58157428-AG-A.
Other names: short protein forms L460fs.
Identifiers: ClinVar variation 4074268 (VCV004074268.2), dbSNP rs1955335874.
Genomic context (GRCh38, chr12:57,763,645, plus strand): 5'-GAAGGTATAAAATCTAGAGCACTCACCTGGGCCAAAGCCATTTGCAATTCAAGCTCTGCC[AG>A]GCGTCTCCCCATACAGCTGCGCTTGCCAAAGCCAAAGGGAAGAGATGCAAATGGGTGGGG-3'

ClinVar aggregate classification (germline): Pathogenic/Likely pathogenic. Review status: criteria provided, multiple submitters, no conflicts (2 of 4 stars). 2 submissions from 2 submitters: Pathogenic (1); Likely pathogenic (1). Last evaluated 2026-07-28.

Conditions:
Vitamin D-dependent rickets, type 1A. Also called: VITAMIN D HYDROXYLATION-DEFICIENT RICKETS, TYPE 1A; PDDR IA; PSEUDOVITAMIN D-DEFICIENCY RICKETS, TYPE IA. Identifiers: MedGen CN283242, MONDO:0020723, OMIM 264700.

Submissions (2):

Myriad Genetics, Inc.
Classification: Pathogenic for Vitamin D-dependent rickets, type 1A. Last evaluated: 2026-07-28. Review status: criteria provided, single submitter. Criteria: Myriad Autosomal Dominant, Autosomal Recessive and X-Linked Classification Criteria (2023). Collection method: clinical testing. Allele origin: unknown.
Comment: NM_000785.3(CYP27B1):c.1378delC(L460Wfs*14) is a frameshift variant classified as pathogenic in the context of vitamin D-dependent rickets, CYP27B1-related. L460Wfs*14 has not been observed in cases with relevant disease. Relevant functional assessments of this variant are not available in the literature. L460Wfs*14 has not been observed in referenced population frequency databases. In summary, NM_000785.3(CYP27B1):c.1378delC(L460Wfs*14) is a frameshift variant in a gene where loss of function is a known mechanism of disease and is predicted to disrupt protein function. Please note: this variant was assessed in the context of healthy population screening.

Rare Kidney Stone Consortium and the Mayo Clinic Hyperoxaluria Center, Mayo Clinic
Classification: Likely pathogenic for Vitamin D-dependent rickets, type 1A. Last evaluated: 2025-05-01. Review status: criteria provided, single submitter. Criteria: ACMG Guidelines, 2015. Collection method: research. Allele origin: germline.
Comment: ACMG: PVS1, PM2

heterozygote

Literature cited by the submitters: PubMed 34805638 (cited by Rare Kidney Stone Consortium and the Mayo Clinic Hyperoxaluria Center, Mayo Clinic).